The following is an entry in ClinVar:

NM_206933.4(USH2A):c.5729A>G (p.Gln1910Arg)

Genes: USH2A (usherin; minus strand), USH2A-AS2 (USH2A antisense RNA 2; plus strand). Cytogenetic location: 1q41.
Variant type: single nucleotide variant.
Coding change: c.5729A>G on transcript NM_206933.4 (MANE Select); coding-DNA position 5729, A replaced by G.
Protein change: p.Gln1910Arg; replaces glutamine 1910 with arginine.
Molecular consequence: missense variant.
Genome position (GRCh38, 1-based): chr1:216,073,144, T>C on the plus strand (A>G on the coding strand, the complement: USH2A is on the minus strand). VCF-style: chr1-216073144-T-C. GRCh37 (hg19) VCF-style: chr1-216246486-T-C.
Other names: short protein forms Q1910R.
Identifiers: ClinVar variation 2139404 (VCV002139404.1), dbSNP rs774358063, ClinGen allele CA1395373.

ClinVar aggregate classification (germline): Uncertain significance (1 of 4 stars; one submission).

Allele frequency attached by ClinVar (database versions not stated): gnomAD exomes 0.00001; ExAC 0.00002.
gnomAD v4.1: 21 of 1,613,926 alleles (0.0013%); highest among the groups gnomAD compares: South Asian, 0.022%; no homozygotes.

Submission:

Labcorp Genetics (formerly Invitae), Labcorp
Classification: Uncertain significance. Last evaluated: 2022-06-02. Review status: criteria provided, single submitter. Criteria: Invitae Variant Classification Sherloc (09022015). Collection method: clinical testing. Allele origin: germline.
Comment: This sequence change replaces glutamine, which is neutral and polar, with arginine, which is basic and polar, at codon 1910 of the USH2A protein (p.Gln1910Arg). This variant is present in population databases (rs774358063, gnomAD 0.01%). This variant has not been reported in the literature in individuals affected with USH2A-related conditions. Algorithms developed to predict the effect of missense changes on protein structure and function output the following: SIFT: "Tolerated"; PolyPhen-2: "Benign"; Align-GVGD: "Class C0". The arginine amino acid residue is found in multiple mammalian species, which suggests that this missense change does not adversely affect protein function. In summary, the available evidence is currently insufficient to determine the role of this variant in disease. Therefore, it has been classified as a Variant of Uncertain Significance.